The following is an entry in ClinVar:

NM_006742.3(PSKH1):c.199A>C (p.Thr67Pro)

Gene: PSKH1 (protein serine kinase H1; plus strand). Cytogenetic location: 16q22.1.
Variant type: single nucleotide variant.
Coding change: c.199A>C on transcript NM_006742.3 (MANE Select); coding-DNA position 199, A replaced by C.
Protein change: p.Thr67Pro; replaces threonine 67 with proline.
Molecular consequence: missense variant.
Genome position (GRCh38, 1-based): chr16:67,908,948, A>C. VCF-style: chr16-67908948-A-C. GRCh37 (hg19) VCF-style: chr16-67942851-A-C.
Other names: short protein forms T67P.
Identifiers: ClinVar variation 4993769 (VCV004993769.1).

ClinVar aggregate classification (germline): Likely benign (1 of 4 stars; one submission).

Conditions:
PSKH1-related condition.

gnomAD v4.1: 212 of 1,613,744 alleles (0.013%); highest among the groups gnomAD compares: Non-Finnish European, 0.0021%; 1 homozygote.

Submission:

PreventionGenetics, part of Exact Sciences
Classification: Likely benign for PSKH1-related condition. Last evaluated: 2026-04-23. Review status: criteria provided, single submitter. Criteria: ACMG Guidelines, 2015. Collection method: clinical testing. Allele origin: germline.
Comment: This variant is classified as likely benign based on ACMG/AMP sequence variant interpretation guidelines (Richards et al. 2015 PMID: 25741868, with internal and published modifications).